The following is an entry in ClinVar:

NM_000090.4(COL3A1):c.3669A>G (p.Glu1223=)

Gene: COL3A1 (collagen type III alpha 1 chain; plus strand). Cytogenetic location: 2q32.2.
Variant type: single nucleotide variant.
Coding change: c.3669A>G on transcript NM_000090.4 (MANE Select); coding-DNA position 3669, A replaced by G.
Protein change: p.Glu1223=; no amino-acid change (glutamic acid 1223 retained).
Molecular consequence: synonymous variant.
Genome position (GRCh38, 1-based): chr2:189,009,067, A>G. VCF-style: chr2-189009067-A-G. GRCh37 (hg19) VCF-style: chr2-189873793-A-G.
Identifiers: ClinVar variation 3386491 (VCV003386491.1).

ClinVar aggregate classification (germline): Likely benign (1 of 4 stars; one submission).

Conditions:
Ehlers-Danlos syndrome, type 4 (EDSVASC). Also called: Ehlers-Danlos syndrome vascular type; Ehlers Danlos syndrome, ecchymotic type; Ehlers Danlos syndrome, arterial type; Ehlers Danlos syndrome, Sack-Barabas type; Ehlers-Danlos Syndrome Type IV. Identifiers: Orphanet 286, MedGen C0268338, MONDO:0017314, OMIM 130050.

Submission:

All of Us Research Program, National Institutes of Health
Classification: Likely benign for Ehlers-Danlos syndrome, type 4. Last evaluated: 2024-07-10. Review status: criteria provided, single submitter. Criteria: ACMG Guidelines, 2015. Collection method: clinical testing. Allele origin: germline. Inheritance: Autosomal dominant inheritance. Observed: 1 variant allele, 1 heterozygote.
Comment: This study involves interpretation of variants in research participants for the purpose of population health screening. Participant phenotype was not available at the time of variant classification. Additional details can be found in publication PMID: 35346344, PMCID: PMC8962531